The following is an entry in ClinVar:

NM_000245.4(MET):c.3055G>A (p.Gly1019Ser)

Gene: MET (MET proto-oncogene, receptor tyrosine kinase; plus strand). Cytogenetic location: 7q31.2.
Variant type: single nucleotide variant.
Coding change: c.3055G>A on transcript NM_000245.4 (MANE Select); coding-DNA position 3055, G replaced by A.
Protein change: p.Gly1019Ser; replaces glycine 1019 with serine.
Molecular consequence: missense variant.
Genome position (GRCh38, 1-based): chr7:116,774,907, G>A. VCF-style: chr7-116774907-G-A. GRCh37 (hg19) VCF-style: chr7-116414961-G-A.
Other names: c.3109G>A (LRG_662t1, NM_001127500.2); c.3109G>A, p.Gly1037Ser (NM_001127500.3); c.1765G>A, p.Gly589Ser (NM_001324402.2); short protein forms G589S, G1037S, G1019S.
Identifiers: ClinVar variation 646059 (VCV000646059.15), dbSNP rs950642030, ClinGen allele CA164906891.

ClinVar aggregate classification (germline): Uncertain significance. Review status: criteria provided, multiple submitters, no conflicts (2 of 4 stars). 3 submissions from 3 submitters: Uncertain significance (3). Last evaluated 2025-12-04.

Conditions:
Renal cell carcinoma. Identifiers: Orphanet 217071, MedGen C0007134, MeSH D002292, MONDO:0005086, HP:0005584.
Hereditary cancer-predisposing syndrome. Also called: Hereditary Cancer Syndrome; Tumor predisposition; Hereditary neoplastic syndrome; Neoplastic Syndromes, Hereditary. Identifiers: Orphanet 140162, MedGen C0027672, MeSH D009386, MONDO:0015356.

Allele frequency attached by ClinVar (database versions not stated): gnomAD exomes below 0.00001.
gnomAD v4.1: 1 of 1,613,948 alleles (0.000062%); highest among the groups gnomAD compares: Non-Finnish European, 0.000085%; no homozygotes.

Submissions (3):

Ambry Genetics
Classification: Uncertain significance for Hereditary cancer-predisposing syndrome. Last evaluated: 2025-12-04. Review status: criteria provided, single submitter. Criteria: Ambry Variant Classification Scheme 2023. Collection method: clinical testing. Allele origin: germline.

Labcorp Genetics (formerly Invitae), Labcorp
Classification: Uncertain significance for Renal cell carcinoma. Last evaluated: 2025-06-03. Review status: criteria provided, single submitter. Criteria: Invitae Variant Classification Sherloc (09022015). Collection method: clinical testing. Allele origin: germline.
Comment: This sequence change replaces glycine, which is neutral and non-polar, with serine, which is neutral and polar, at codon 1037 of the MET protein (p.Gly1037Ser). This variant is not present in population databases (gnomAD no frequency). This variant has not been reported in the literature in individuals affected with MET-related conditions. ClinVar contains an entry for this variant (Variation ID: 646059). An algorithm developed to predict the effect of missense changes on protein structure and function (PolyPhen-2) suggests that this variant is likely to be disruptive. In summary, the available evidence is currently insufficient to determine the role of this variant in disease. Therefore, it has been classified as a Variant of Uncertain Significance.

Quest Diagnostics Nichols Institute San Juan Capistrano
Classification: Uncertain significance. Last evaluated: 2025-01-03. Review status: criteria provided, single submitter. Criteria: Quest Diagnostics criteria. Collection method: clinical testing. Allele origin: unknown.